The following is an entry in ClinVar:

NM_024537.4(CARS2):c.1318-10T>A

Gene: CARS2 (cysteinyl-tRNA synthetase 2, mitochondrial; minus strand). Cytogenetic location: 13q34.
Variant type: single nucleotide variant.
Coding change: c.1318-10T>A on transcript NM_024537.4 (MANE Select); 10 bases into the intron before coding-DNA position 1318, T replaced by A.
Molecular consequence: intron variant. On other transcripts: non-coding transcript variant (1).
Genome position (GRCh38, 1-based): chr13:110,644,493, A>T on the plus strand (T>A on the coding strand, the complement: CARS2 is on the minus strand). VCF-style: chr13-110644493-A-T. GRCh37 (hg19) VCF-style: chr13-111296840-A-T.
Other names: c.532-10T>A (NM_001352252.2).
Identifiers: ClinVar variation 450268 (VCV000450268.13), dbSNP rs773908976, ClinGen allele CA612640552.

ClinVar aggregate classification (germline): Uncertain significance. Review status: criteria provided, multiple submitters, no conflicts (2 of 4 stars). 2 submissions from 2 submitters: Uncertain significance (2). Last evaluated 2022-03-01.

Conditions:
Combined oxidative phosphorylation defect type 27. Also called: Combined oxidative phosphorylation deficiency 27. Identifiers: Orphanet 477774, MedGen C5567608, MONDO:0014728, OMIM 616672.

Allele frequency attached by ClinVar (database versions not stated): TOPMed below 0.00001; gnomAD 0.00001.
gnomAD v4.1: 3 of 1,613,724 alleles (0.00019%); highest among the groups gnomAD compares: African/African-American, 0.0027%; no homozygotes.

Submissions (2):

GeneDx
Classification: Uncertain significance. Last evaluated: 2022-03-01. Review status: criteria provided, single submitter. Criteria: GeneDx Variant Classification Process June 2021. Collection method: clinical testing. Allele origin: germline. Affected: yes.
Comment: Not observed at significant frequency in large population cohorts (gnomAD); Has not been previously published as pathogenic or benign to our knowledge; In silico analysis, which includes splice predictors and evolutionary conservation, suggests this variant may impact gene splicing. In the absence of RNA/functional studies, the actual effect of this sequence change is unknown.

Labcorp Genetics (formerly Invitae), Labcorp
Classification: Uncertain significance for Combined oxidative phosphorylation defect type 27. Last evaluated: 2020-05-20. Review status: criteria provided, single submitter. Criteria: Invitae Variant Classification Sherloc (09022015). Collection method: clinical testing. Allele origin: germline.
Comment: This sequence change falls in intron 12 of the CARS2 gene. It does not directly change the encoded amino acid sequence of the CARS2 protein. This variant is not present in population databases (ExAC no frequency). This variant has not been reported in the literature in individuals with CARS2-related conditions. ClinVar contains an entry for this variant (Variation ID: 450268). Algorithms developed to predict the effect of sequence changes on RNA splicing suggest that this variant may disrupt the consensus splice site, but this prediction has not been confirmed by published transcriptional studies. In summary, the available evidence is currently insufficient to determine the role of this variant in disease. Therefore, it has been classified as a Variant of Uncertain Significance.